The following is an entry in ClinVar:

ClinVar aggregate classification (germline): Conflicting classifications of pathogenicity. Review status: criteria provided, conflicting classifications (1 of 4 stars). 7 submissions from 5 submitters: Uncertain significance (3); Benign (1); Likely benign (1). 2 of the submissions do not count toward it. Last evaluated 2024-12-31.

Conditions:
ABCC8-related disorder.
Diabetes mellitus, transient neonatal, 2 (TNDM2). Identifiers: Orphanet 99886, MedGen C1835887, MONDO:0012480, OMIM 610374. Disease mechanism: loss of function.
Permanent neonatal diabetes mellitus (PNDM). Identifiers: Orphanet 99885, MedGen C1833104, MONDO:0100164, MONDO:0011643. Disease mechanism: gain of function.
Hereditary hyperinsulinism.
Hyperinsulinemic hypoglycemia, familial, 1 (HHF1). Also called: Persistent hyperinsulinemic hypoglycemia of infancy; Persistent Hyperinsulinemia Hypoglycemia of Infancy; HYPERINSULINISM, FAMILIAL, WITH PANCREATIC NESIDIOBLASTOSIS; HYPOGLYCEMIA, HYPERINSULINEMIC, OF INFANCY; NESIDIOBLASTOSIS OF PANCREAS. Identifiers: Orphanet 276575, Orphanet 276598, MedGen C2931832, MONDO:0009734, OMIM 256450.

Allele frequency attached by ClinVar (database versions not stated): TOPMed 0.00003; ESP Exome Variant Server 0.00008.
gnomAD v4.1: 158 of 1,614,114 alleles (0.0098%); highest among the groups gnomAD compares: South Asian, 0.054%; 1 homozygote.

Submissions (7):

Women's Health and Genetics/Laboratory Corporation of America, LabCorp
Classification: Uncertain significance. Last evaluated: 2024-12-31. Review status: criteria provided, single submitter. Criteria: LabCorp Variant Classification Summary - May 2015. Collection method: clinical testing. Allele origin: germline.
Comment: Variant summary: ABCC8 c.3650+4C>G alters a conserved nucleotide located close to a canonical splice site and therefore could affect mRNA splicing, leading to a significantly altered protein sequence. Consensus agreement among computation tools predict no significant impact on normal splicing. However, these predictions have yet to be confirmed by functional studies. The variant allele was found at a frequency of 0.00016 in 251474 control chromosomes (gnomAD). This frequency is not significantly higher than estimated for a pathogenic variant in ABCC8 causing Familial Hyperinsulinism (0.00016 vs 0.0034), allowing no conclusion about variant significance. c.3650+4C>G has been reported in the literature in an individual affected with Late-onset diabetes/Hyperinsulinism without strong evidence of causality (De Franco_2020). This report does not provide unequivocal conclusions about association of the variant with Familial Hyperinsulinism. To our knowledge, no experimental evidence demonstrating an impact on protein function has been reported. The following publication has been ascertained in the context of this evaluation (PMID: 32027066). ClinVar contains an entry for this variant (Variation ID: 877890). Based on the evidence outlined above, the variant was classified as uncertain significance.

GeneDx
Classification: Likely benign. Last evaluated: 2019-12-11. Review status: criteria provided, single submitter. Criteria: GeneDx Variant Classification Process June 2021. Collection method: clinical testing. Allele origin: germline. Affected: yes.
Comment: See Variant Classification Assertion Criteria.

Illumina Laboratory Services, Illumina
Classification: Uncertain significance for Hyperinsulinemic hypoglycemia, familial, 1. Last evaluated: 2018-01-12. Review status: criteria provided, single submitter. Criteria: ICSL Variant Classification Criteria 13 December 2019. Collection method: clinical testing. Allele origin: germline.

Illumina Laboratory Services, Illumina
Classification: Benign for Diabetes mellitus, transient neonatal, 2. Last evaluated: 2018-01-12. Review status: criteria provided, single submitter. Criteria: ICSL Variant Classification Criteria 13 December 2019. Collection method: clinical testing. Allele origin: germline.
Comment: This variant was observed in the ICSL laboratory as part of a predisposition screen in an ostensibly healthy population. It had not been previously curated by ICSL or reported in the Human Gene Mutation Database (HGMD: prior to June 1st, 2018), and was therefore a candidate for classification through an automated scoring system. Utilizing variant allele frequency, disease prevalence and penetrance estimates, and inheritance mode, an automated score was calculated to assess if this variant is too frequent to cause the disease. Based on the score and internal cut-off values, a variant classified as benign is not then subjected to further curation. The score for this variant resulted in a classification of benign for this disease.

Illumina Laboratory Services, Illumina
Classification: Uncertain significance for Permanent neonatal diabetes mellitus 1. Last evaluated: 2018-01-12. Review status: criteria provided, single submitter. Criteria: ICSL Variant Classification Criteria 13 December 2019. Collection method: clinical testing. Allele origin: germline.

PreventionGenetics, part of Exact Sciences
Classification: Likely benign for ABCC8-related condition. Last evaluated: 2020-08-03. Review status: no assertion criteria provided. Collection method: clinical testing. Allele origin: germline. Not counted in ClinVar's aggregate classification.
Comment: This variant is classified as likely benign based on ACMG/AMP sequence variant interpretation guidelines (Richards et al. 2015 PMID: 25741868, with internal and published modifications).

Natera, Inc.
Classification: Uncertain significance for Hereditary hyperinsulinism. Last evaluated: 2020-04-10. Review status: no assertion criteria provided. Collection method: clinical testing. Allele origin: germline. Not counted in ClinVar's aggregate classification.

Literature cited by the submitters: PubMed 32027066 (cited by Women's Health and Genetics/Laboratory Corporation of America, LabCorp).

NM_000352.6(ABCC8):c.3650+4C>G

Gene: ABCC8 (ATP binding cassette subfamily C member 8; minus strand). Cytogenetic location: 11p15.1.
Variant type: single nucleotide variant.
Coding change: c.3650+4C>G on transcript NM_000352.6 (MANE Select); 4 bases into the intron after coding-DNA position 3650, C replaced by G.
Molecular consequence: intron variant.
Genome position (GRCh38, 1-based): chr11:17,402,657, G>C on the plus strand (C>G on the coding strand, the complement: ABCC8 is on the minus strand). VCF-style: chr11-17402657-G-C. GRCh37 (hg19) VCF-style: chr11-17424204-G-C.
Other names: c.3647+4C>G (NM_001351297.2); c.3650+4C>G (NM_001351296.2, NM_000352.4); c.3716+4C>G (NM_001351295.2); c.3653+4C>G (NM_001287174.3).
Identifiers: ClinVar variation 877890 (VCV000877890.9), dbSNP rs374315114, ClinGen allele CA5902752.
Genomic context (GRCh38, chr11:17,402,657, plus strand): 5'-ATGGCCTGTGCCCCCTGGCCCCACCCCTGTTCCACTCCTACCTTGGGGGAATGTGGACTC[G>C]TACCTGAAGGCCCGGATGGTGGTGAGTCCTTCTACGGTTTCGGCAAAGTGTGAGAGAAGT-3'